The following is an entry in ClinVar:

ClinVar aggregate classification (germline): Uncertain significance. Review status: criteria provided, multiple submitters, no conflicts (2 of 4 stars). 2 submissions from 2 submitters: Uncertain significance (2). Last evaluated 2024-06-26.

Conditions:
Mitochondrial DNA depletion syndrome 9 (MTDPS9). Also called: SUCLG1-Related Mitochondrial DNA Depletion Syndrome, Encephalomyopathic Form with Methylmalonic Aciduria. Identifiers: Orphanet 17, MedGen C3151476, MONDO:0009504, OMIM 245400.
Inborn genetic diseases. Identifiers: MedGen C0950123, MeSH D030342.

Allele frequency attached by ClinVar (database versions not stated): gnomAD 0.00001; ExAC 0.00002; gnomAD exomes 0.00003; TOPMed 0.00003.
gnomAD v4.1: 48 of 1,613,840 alleles (0.003%); highest among the groups gnomAD compares: Middle Eastern, 0.049%; no homozygotes.

Submissions (2):

Ambry Genetics
Classification: Uncertain significance for Inborn genetic diseases. Last evaluated: 2024-06-26. Review status: criteria provided, single submitter. Criteria: Ambry Variant Classification Scheme 2023. Collection method: clinical testing. Allele origin: germline.

Labcorp Genetics (formerly Invitae), Labcorp
Classification: Uncertain significance for Mitochondrial DNA depletion syndrome 9. Last evaluated: 2022-03-18. Review status: criteria provided, single submitter. Criteria: Invitae Variant Classification Sherloc (09022015). Collection method: clinical testing. Allele origin: germline.
Comment: This sequence change replaces aspartic acid, which is acidic and polar, with asparagine, which is neutral and polar, at codon 246 of the SUCLG1 protein (p.Asp246Asn). This variant is present in population databases (rs763743761, gnomAD 0.005%). This variant has not been reported in the literature in individuals affected with SUCLG1-related conditions. Algorithms developed to predict the effect of missense changes on protein structure and function are either unavailable or do not agree on the potential impact of this missense change (SIFT: "Deleterious"; PolyPhen-2: "Possibly Damaging"; Align-GVGD: "Class C15"). In summary, the available evidence is currently insufficient to determine the role of this variant in disease. Therefore, it has been classified as a Variant of Uncertain Significance.

NM_003849.4(SUCLG1):c.736G>A (p.Asp246Asn)

Gene: SUCLG1 (succinate-CoA ligase GDP/ADP-forming subunit alpha; minus strand). Cytogenetic location: 2p11.2.
Variant type: single nucleotide variant.
Coding change: c.736G>A on transcript NM_003849.4 (MANE Select); coding-DNA position 736, G replaced by A.
Protein change: p.Asp246Asn; replaces aspartic acid 246 with asparagine.
Molecular consequence: missense variant.
Genome position (GRCh38, 1-based): chr2:84,431,597, C>T on the plus strand (G>A on the coding strand, the complement: SUCLG1 is on the minus strand). VCF-style: chr2-84431597-C-T. GRCh37 (hg19) VCF-style: chr2-84658721-C-T.
Other names: c.736G>A (NM_003849.3); short protein forms D246N.
Identifiers: ClinVar variation 1519168 (VCV001519168.6), dbSNP rs763743761, ClinGen allele CA1736187.